The following is an entry in ClinVar:

ClinVar aggregate classification (germline): Uncertain significance (1 of 4 stars; one submission).

Conditions:
Cardiovascular phenotype. Identifiers: MedGen CN230736.

Submission:

Ambry Genetics
Classification: Uncertain significance for Cardiovascular phenotype. Last evaluated: 2020-11-30. Review status: criteria provided, single submitter. Criteria: Ambry Variant Classification Scheme 2023. Collection method: clinical testing. Allele origin: germline.
Comment: The c.2137_2138delGAinsAC variant (also known as p.E713T), located in coding exon 14 of the DSG2 gene, results from an in-frame deletion of GA and insertion of AC at nucleotide positions 2137 to 2138. This results in the substitution of the glutamic acid residue for a threonine residue at codon 713, an amino acid with similar properties. This amino acid position is not well conserved in available vertebrate species. In addition, the in silico prediction for this alteration is inconclusive (Choi Y et al. PLoS ONE. 2012; 7(10):e46688). Since supporting evidence is limited at this time, the clinical significance of this alteration remains unclear.

NM_001943.5(DSG2):c.2137_2138delinsAC (p.Glu713Thr)

Genes: DSG2 (desmoglein 2; plus strand), DSG2-AS1 (DSG2 antisense RNA 1; minus strand). Cytogenetic location: 18q12.1.
Variant type: Indel.
Coding change: c.2137_2138delinsAC on transcript NM_001943.5 (MANE Select); coding-DNA positions 2137 to 2138, GA replaced by AC.
Protein change: p.Glu713Thr; replaces glutamic acid 713 with threonine.
Molecular consequence: missense variant.
Genome position (GRCh38, 1-based): chr18:31,542,655-31,542,656, GA replaced by AC. VCF-style: chr18-31542655-GA-AC. GRCh37 (hg19) VCF-style: chr18-29122618-GA-AC.
Other names: short protein forms E713T.
Identifiers: ClinVar variation 1786487 (VCV001786487.2), dbSNP rs2510920698, ClinGen allele CA2580095675.